The following is an entry in ClinVar:

NM_001267550.2(TTN):c.36532G>A (p.Val12178Met)

Gene: TTN (titin; minus strand). Cytogenetic location: 2q31.2.
Variant type: single nucleotide variant.
Coding change: c.36532G>A on transcript NM_001267550.2 (MANE Select); coding-DNA position 36532, G replaced by A.
Protein change: p.Val12178Met; replaces valine 12178 with methionine.
Molecular consequence: missense variant. On other transcripts: intron variant (5).
Genome position (GRCh38, 1-based): chr2:178,663,627, C>T on the plus strand (G>A on the coding strand, the complement: TTN is on the minus strand). VCF-style: chr2-178663627-C-T. GRCh37 (hg19) VCF-style: chr2-179528354-C-T.
Other names: c.13283-21310G>A (NM_003319.4); c.13859-21310G>A (NM_133437.4); c.13658-21310G>A (NM_133432.3); c.31484-572G>A (NM_133378.4); c.34265-572G>A (NM_001256850.1); short protein forms V12178M.
Identifiers: ClinVar variation 1358032 (VCV001358032.6), dbSNP rs1664222065, ClinGen allele CA349498118.

ClinVar aggregate classification (germline): Uncertain significance (1 of 4 stars; one submission).

Conditions:
Dilated cardiomyopathy 1G (CMD1G). Identifiers: Orphanet 154, MedGen C1858763, MONDO:0011400, OMIM 604145.
Autosomal recessive limb-girdle muscular dystrophy type 2J (LGMDR10). Also called: Limb-girdle muscular dystrophy, type 2J; MUSCULAR DYSTROPHY, LIMB-GIRDLE, AUTOSOMAL RECESSIVE 10. Identifiers: Orphanet 140922, MedGen C1837342, MONDO:0012127, OMIM 608807.

Allele frequency attached by ClinVar (database versions not stated): gnomAD 0.00001.
gnomAD v4.1: 10 of 1,613,588 alleles (0.00062%); highest among the groups gnomAD compares: African/African-American, 0.004%; no homozygotes.

Submission:

Labcorp Genetics (formerly Invitae), Labcorp
Classification: Uncertain significance for Dilated cardiomyopathy 1G; Autosomal recessive limb-girdle muscular dystrophy type 2J. Last evaluated: 2021-11-02. Review status: criteria provided, single submitter. Criteria: Invitae Variant Classification Sherloc (09022015). Collection method: clinical testing. Allele origin: germline.
Comment: This variant is located in the I band of TTN (PMID: 25589632). Variants in this region may be clinically relevant, but have not been definitively shown to cause cardiomyopathy or neuromuscular disease (PMID: 27493940, 32778822). In summary, the available evidence is currently insufficient to determine the role of this variant in disease. Therefore, it has been classified as a Variant of Uncertain Significance. Variants that disrupt the consensus splice site are a relatively common cause of aberrant splicing (PMID: 17576681, 9536098). Algorithms developed to predict the effect of sequence changes on RNA splicing suggest that this variant may disrupt the consensus splice site. Experimental studies and prediction algorithms are not available or were not evaluated, and the functional significance of this variant is currently unknown. This variant has not been reported in the literature in individuals affected with TTN-related conditions. This variant is not present in population databases (gnomAD no frequency). This sequence change affects codon 12178 of the TTN mRNA. It is a 'silent' change, meaning that it does not change the encoded amino acid sequence of the TTN protein. This variant also falls at the last nucleotide of exon 171, which is part of the consensus splice site for this exon.

Literature cited by the submitters: PubMed 25589632; PubMed 27493940; PubMed 32778822; PubMed 17576681; PubMed 9536098.